The following is an entry in ClinVar:

ClinVar aggregate classification (germline): Uncertain significance. Review status: criteria provided, multiple submitters, no conflicts (2 of 4 stars). 2 submissions from 2 submitters: Uncertain significance (2). Last evaluated 2025-03-25.

Conditions:
Familial thoracic aortic aneurysm and aortic dissection (TAAD). Also called: Thoracic aortic aneurysms and dissections. Identifiers: Orphanet 91387, MedGen C4707243, MONDO:0019625.

Submissions (2):

Ambry Genetics
Classification: Uncertain significance for Familial thoracic aortic aneurysm and aortic dissection. Last evaluated: 2025-03-25. Review status: criteria provided, single submitter. Criteria: Ambry Variant Classification Scheme 2023. Collection method: clinical testing. Allele origin: germline.
Comment: The p.E1742K variant (also known as c.5224G>A), located in coding exon 36 of the MYH11 gene, results from a G to A substitution at nucleotide position 5224. The glutamic acid at codon 1742 is replaced by lysine, an amino acid with similar properties. This amino acid position is conserved. In addition, the in silico prediction for this alteration is inconclusive. Based on the available evidence, the clinical significance of this variant remains unclear.

All of Us Research Program, National Institutes of Health
Classification: Uncertain significance for Familial thoracic aortic aneurysm and aortic dissection. Last evaluated: 2024-07-20. Review status: criteria provided, single submitter. Criteria: ACMG Guidelines, 2015. Collection method: clinical testing. Allele origin: germline. Inheritance: Autosomal dominant inheritance. Observed: 1 variant allele, 1 heterozygote.
Comment: This missense variant replaces glutamic acid with lysine at codon 1749 of the MYH11 protein. Computational prediction suggests that this variant may have deleterious impact on protein structure and function (internally defined REVEL score threshold >= 0.7, PMID: 27666373). To our knowledge, functional studies have not been reported for this variant. This variant has not been reported in individuals affected with MYH11-related disorders in the literature. This variant has been identified in 1/31354 chromosomes in the general population by the Genome Aggregation Database (gnomAD). The available evidence is insufficient to determine the role of this variant in disease conclusively. Therefore, this variant is classified as a Variant of Uncertain Significance.

This study involves interpretation of variants in research participants for the purpose of population health screening. Participant phenotype was not available at the time of variant classification. Additional details can be found in publication PMID: 35346344, PMCID: PMC8962531

NM_002474.3(MYH11):c.5224G>A (p.Glu1742Lys)

Genes: NDE1 (nudE neurodevelopment protein 1; plus strand), MYH11 (myosin heavy chain 11; minus strand). Cytogenetic location: 16p13.11.
Variant type: single nucleotide variant.
Coding change: c.5224G>A on transcript NM_002474.3 (MANE Select); coding-DNA position 5224, G replaced by A.
Protein change: p.Glu1742Lys; replaces glutamic acid 1742 with lysine.
Molecular consequence: missense variant. On other transcripts: intron variant (2).
Genome position (GRCh38, 1-based): chr16:15,718,386, C>T on the plus strand (G>A on the coding strand, the complement: MYH11 is on the minus strand). VCF-style: chr16-15718386-C-T. GRCh37 (hg19) VCF-style: chr16-15812243-C-T.
Other names: c.5245G>A, p.Glu1749Lys (NM_001040113.2, NM_001040114.2); c.5224G>A, p.Glu1742Lys (NM_022844.3); c.948-5805C>T (NM_001143979.2, NM_017668.3); c.5224G>A (NM_002474.2); short protein forms E1742K, E1749K.
Identifiers: ClinVar variation 3387168 (VCV003387168.2).